The following is an entry in ClinVar:

ClinVar aggregate classification (germline): Pathogenic (1 of 4 stars; one submission).

Submission:

Labcorp Genetics (formerly Invitae), Labcorp
Classification: Pathogenic. Last evaluated: 2025-09-11. Review status: criteria provided, single submitter. Criteria: Invitae Variant Classification Sherloc (09022015). Collection method: clinical testing. Allele origin: germline.
Comment: This sequence change creates a premature translational stop signal (p.Glu1533Argfs*10) in the POLE gene. It is expected to result in an absent or disrupted protein product. Loss-of-function variants in POLE are known to be pathogenic (PMID: 23230001, 25948378, 30503519). This variant is not present in population databases (gnomAD no frequency). This variant has not been reported in the literature in individuals affected with POLE-related conditions. For these reasons, this variant has been classified as Pathogenic.

Literature cited by the submitters: PubMed 23230001; PubMed 25948378; PubMed 30503519.

NM_006231.4(POLE):c.4597_4601del (p.Glu1533fs)

Gene: POLE (DNA polymerase epsilon, catalytic subunit; minus strand). Cytogenetic location: 12q24.33.
Variant type: Deletion.
Coding change: c.4597_4601del on transcript NM_006231.4 (MANE Select); coding-DNA positions 4597 to 4601, 5 bases deleted (GAGCA; older notation c.4597_4601delGAGCA).
Protein change: p.Glu1533fs; shifts the reading frame from glutamic acid 1533.
Molecular consequence: frameshift variant.
Genome position (GRCh38, 1-based): chr12:132,642,947-132,642,951, TGCTC deleted on the plus strand (GAGCA on the coding strand, the reverse complement: POLE is on the minus strand); deleting any 5 consecutive bases within chr12:132,642,947-132,642,955 gives the same sequence; the c. name uses the placement nearest the transcript's 3' end. VCF-style (leftmost placement, unchanged base first): chr12-132642946-GTGCTC-G. GRCh37 (hg19) VCF-style: chr12-133219532-GTGCTC-G.
Other names: short protein forms E1533fs.
Identifiers: ClinVar variation 4727040 (VCV004727040.1).
Genomic context (GRCh38, chr12:132,642,946, plus strand): 5'-TTCGAAGGTGTGTTTGGGGGGTGGCAGGAGCTCAGGGCCCACCTTCTCCAGGAGGAGGCC[GTGCTC>G]TGCTGAGTACAGGGCGCCAAGGCTGGGCATCTGGTTGCTGCGCACCTAGACCAACGCAGG-3'